The following is an entry in ClinVar:

ClinVar aggregate classification (germline): Uncertain significance (1 of 4 stars; one submission).

gnomAD v4.1: 2 of 1,158,869 alleles (0.00017%); highest among the groups gnomAD compares: Non-Finnish European, 0.00023%; no homozygotes.

Submission:

Labcorp Genetics (formerly Invitae), Labcorp
Classification: Uncertain significance. Last evaluated: 2025-02-27. Review status: criteria provided, single submitter. Criteria: Invitae Variant Classification Sherloc (09022015). Collection method: clinical testing. Allele origin: germline.
Comment: This sequence change falls in intron 9 of the NONO gene. It does not directly change the encoded amino acid sequence of the NONO protein. It affects a nucleotide within the consensus splice site. This variant is not present in population databases (gnomAD no frequency). This variant has not been reported in the literature in individuals affected with NONO-related conditions. Variants that disrupt the consensus splice site are a relatively common cause of aberrant splicing (PMID: 17576681, 9536098). Algorithms developed to predict the effect of sequence changes on RNA splicing suggest that this variant may disrupt the consensus splice site. In summary, the available evidence is currently insufficient to determine the role of this variant in disease. Therefore, it has been classified as a Variant of Uncertain Significance.

Literature cited by the submitters: PubMed 17576681; PubMed 9536098.

NM_007363.5(NONO):c.1028+3A>G

Gene: NONO (non-POU domain containing octamer binding; plus strand). Cytogenetic location: Xq13.1.
Variant type: single nucleotide variant.
Coding change: c.1028+3A>G on transcript NM_007363.5 (MANE Select); 3 bases into the intron after coding-DNA position 1028, A replaced by G.
Molecular consequence: intron variant.
Genome position (GRCh38, 1-based): chrX:71,297,464, A>G. VCF-style: chrX-71297464-A-G. GRCh37 (hg19) VCF-style: chrX-70517314-A-G.
Other names: c.1028+3A>G (NM_001145408.2, NM_001145409.2); c.761+3A>G (NM_001145410.2).
Identifiers: ClinVar variation 3610351 (VCV003610351.2).